The following is an entry in ClinVar:

NM_001184.4(ATR):c.1048del (p.Leu350fs)

Gene: ATR (ATR checkpoint kinase; minus strand). Cytogenetic location: 3q23.
Variant type: Deletion.
Coding change: c.1048del on transcript NM_001184.4 (MANE Select); coding-DNA position 1048, one base deleted (C; older notation c.1048delC).
Protein change: p.Leu350fs; shifts the reading frame from leucine 350.
Molecular consequence: frameshift variant.
Genome position (GRCh38, 1-based): chr3:142,562,354, G deleted on the plus strand (C on the coding strand, the reverse complement: ATR is on the minus strand). VCF-style (leftmost placement, unchanged base first): chr3-142562353-AG-A. GRCh37 (hg19) VCF-style: chr3-142281195-AG-A.
Other names: c.1048del, p.Leu350fs (NM_001354579.2); short protein forms L350fs.
Identifiers: ClinVar variation 3622022 (VCV003622022.2).

ClinVar aggregate classification (germline): Pathogenic (1 of 4 stars; one submission).

Submission:

Labcorp Genetics (formerly Invitae), Labcorp
Classification: Pathogenic. Last evaluated: 2024-09-11. Review status: criteria provided, single submitter. Criteria: Invitae Variant Classification Sherloc (09022015). Collection method: clinical testing. Allele origin: germline.
Comment: This sequence change creates a premature translational stop signal (p.Leu350Cysfs*23) in the ATR gene. It is expected to result in an absent or disrupted protein product. Loss-of-function variants in ATR are known to be pathogenic (PMID: 21228398, 23144622). This variant is not present in population databases (gnomAD no frequency). This variant has not been reported in the literature in individuals affected with ATR-related conditions. For these reasons, this variant has been classified as Pathogenic.

Literature cited by the submitters: PubMed 21228398; PubMed 23144622.